The following is an entry in ClinVar:

NM_006506.5(RASA2):c.866A>G (p.Tyr289Cys)

Gene: RASA2 (RAS p21 protein activator 2; plus strand). Cytogenetic location: 3q23.
Variant type: single nucleotide variant.
Coding change: c.866A>G on transcript NM_006506.5 (MANE Select); coding-DNA position 866, A replaced by G.
Protein change: p.Tyr289Cys; replaces tyrosine 289 with cysteine.
Molecular consequence: missense variant.
Genome position (GRCh38, 1-based): chr3:141,570,914, A>G. VCF-style: chr3-141570914-A-G. GRCh37 (hg19) VCF-style: chr3-141289756-A-G.
Other names: c.866A>G, p.Tyr289Cys (NM_001303245.3, NM_001303246.3); short protein forms Y289C.
Identifiers: ClinVar variation 1975406 (VCV001975406.5), dbSNP rs2478708399, ClinGen allele CA354774789.

ClinVar aggregate classification (germline): Uncertain significance (1 of 4 stars; one submission).

Allele frequency attached by ClinVar (database versions not stated): gnomAD exomes below 0.00001.
gnomAD v4.1: 2 of 1,602,484 alleles (0.00012%); highest among the groups gnomAD compares: Non-Finnish European, 0.00017%; no homozygotes.

Submission:

Labcorp Genetics (formerly Invitae), Labcorp
Classification: Uncertain significance. Last evaluated: 2024-07-15. Review status: criteria provided, single submitter. Criteria: Invitae Variant Classification Sherloc (09022015). Collection method: clinical testing. Allele origin: germline.
Comment: This sequence change replaces tyrosine, which is neutral and polar, with cysteine, which is neutral and slightly polar, at codon 289 of the RASA2 protein (p.Tyr289Cys). This variant is not present in population databases (gnomAD no frequency). This variant has not been reported in the literature in individuals affected with RASA2-related conditions. ClinVar contains an entry for this variant (Variation ID: 1975406). An algorithm developed to predict the effect of missense changes on protein structure and function (PolyPhen-2) suggests that this variant is likely to be disruptive. In summary, the available evidence is currently insufficient to determine the role of this variant in disease. Therefore, it has been classified as a Variant of Uncertain Significance.